The following is an entry in ClinVar:

NM_000051.4(ATM):c.6355G>T (p.Val2119Leu)

Genes: ATM (ATM serine/threonine kinase; plus strand), C11orf65 (chromosome 11 open reading frame 65; minus strand). Cytogenetic location: 11q22.3.
Variant type: single nucleotide variant.
Coding change: c.6355G>T on transcript NM_000051.4 (MANE Select); coding-DNA position 6355, G replaced by T.
Protein change: p.Val2119Leu; replaces valine 2119 with leucine.
Molecular consequence: missense variant. On other transcripts: intron variant (2).
Genome position (GRCh38, 1-based): chr11:108,319,961, G>T. VCF-style: chr11-108319961-G-T. GRCh37 (hg19) VCF-style: chr11-108190688-G-T.
Other names: c.6355G>T, p.Val2119Leu (NM_001351834.2); c.641-10890C>A (NM_001330368.2); c.*39-10890C>A (NM_001351110.2); short protein forms V2119L.
Identifiers: ClinVar variation 453624 (VCV000453624.29), dbSNP rs1266938537, ClinGen allele CA382553167.
Genomic context (GRCh38, chr11:108,319,961, plus strand): 5'-ATATCTTAGGGTTCTGTTTTTAAGTATATTTTTTTCTTTGACTTATCTCACAGCAAAGAA[G>T]TAGAAGGAACCAGTTACCATGAATCATTGTACAATGCTCTACAATCTCTAAGAGACAGAG-3'
Protein context (NP_000042.3, residues 2109-2129): WDHCTSVSKE[Val2119Leu]EGTSYHESLY

ClinVar aggregate classification (germline): Uncertain significance. Review status: criteria provided, multiple submitters, no conflicts (2 of 4 stars). 5 submissions from 5 submitters: Uncertain significance (5). Last evaluated 2025-05-07.

Conditions:
Hereditary cancer-predisposing syndrome. Also called: Neoplastic Syndromes, Hereditary; Hereditary Cancer Syndrome; Tumor predisposition; Hereditary neoplastic syndrome. Identifiers: Orphanet 140162, MedGen C0027672, MeSH D009386, MONDO:0015356.
Ataxia-telangiectasia syndrome (AT). Also called: LOUIS-BAR SYNDROME; Cerebello-oculocutaneous telangiectasia; Immunodeficiency with ataxia telangiectasia; Ataxia-telangiectasia, complementation group D; AT, COMPLEMENTATION GROUP C; Ataxia-telangiectasia, complementation group E. Identifiers: Orphanet 100, MedGen C0004135, MONDO:0008840, OMIM 208900.

gnomAD v4.1: 1 of 1,608,704 alleles (0.000062%); no homozygotes.

Submissions (5):

Ambry Genetics
Classification: Uncertain significance for Hereditary cancer-predisposing syndrome. Last evaluated: 2025-05-07. Review status: criteria provided, single submitter. Criteria: Ambry Variant Classification Scheme 2023. Collection method: clinical testing. Allele origin: germline.
Comment: The p.V2119L variant (also known as c.6355G>T), located in coding exon 43 of the ATM gene, results from a G to T substitution at nucleotide position 6355. The valine at codon 2119 is replaced by leucine, an amino acid with highly similar properties. This amino acid position is poorly conserved in available vertebrate species. In addition, this alteration is predicted to be tolerated by in silico analysis. Since supporting evidence is limited at this time, the clinical significance of this alteration remains unclear.

Labcorp Genetics (formerly Invitae), Labcorp
Classification: Uncertain significance for Ataxia-telangiectasia syndrome. Last evaluated: 2025-01-22. Review status: criteria provided, single submitter. Criteria: Invitae Variant Classification Sherloc (09022015). Collection method: clinical testing. Allele origin: germline.
Comment: This sequence change replaces valine, which is neutral and non-polar, with leucine, which is neutral and non-polar, at codon 2119 of the ATM protein (p.Val2119Leu). This variant is not present in population databases (gnomAD no frequency). This variant has not been reported in the literature in individuals affected with ATM-related conditions. ClinVar contains an entry for this variant (Variation ID: 453624). Invitae Evidence Modeling of protein sequence and biophysical properties (such as structural, functional, and spatial information, amino acid conservation, physicochemical variation, residue mobility, and thermodynamic stability) indicates that this missense variant is not expected to disrupt ATM protein function with a negative predictive value of 95%. In summary, the available evidence is currently insufficient to determine the role of this variant in disease. Therefore, it has been classified as a Variant of Uncertain Significance.

Color Diagnostics, LLC DBA Color Health
Classification: Uncertain significance for Hereditary cancer-predisposing syndrome. Last evaluated: 2023-12-05. Review status: criteria provided, single submitter. Criteria: ACMG Guidelines, 2015. Collection method: clinical testing. Allele origin: germline.
Comment: This missense variant replaces valine with leucine at codon 2119 of the ATM protein. Computational prediction suggests that this variant may not impact protein structure and function (internally defined REVEL score threshold <= 0.5, PMID: 27666373). To our knowledge, functional studies have not been reported for this variant. This variant has not been reported in individuals affected with ATM-related disorders in the literature. This variant has not been identified in the general population by the Genome Aggregation Database (gnomAD). The available evidence is insufficient to determine the role of this variant in disease conclusively. Therefore, this variant is classified as a Variant of Uncertain Significance.

Mendelics
Classification: Uncertain significance for Ataxia-telangiectasia syndrome. Last evaluated: 2023-06-19. Review status: criteria provided, single submitter. Criteria: Mendelics Assertion Criteria 2017. Collection method: clinical testing. Allele origin: unknown.

GeneDx
Classification: Uncertain significance. Last evaluated: 2023-06-13. Review status: criteria provided, single submitter. Criteria: GeneDx Variant Classification Process June 2021. Collection method: clinical testing. Allele origin: germline. Affected: yes.
Comment: Not observed at significant frequency in large population cohorts (gnomAD); In silico analysis supports that this missense variant does not alter protein structure/function; Has not been previously published as pathogenic or benign to our knowledge; This variant is associated with the following publications: (PMID: 23532176)